The following is an entry in ClinVar:

ClinVar aggregate classification (germline): Pathogenic/Likely pathogenic. Review status: criteria provided, multiple submitters, no conflicts (2 of 4 stars). 16 submissions from 16 submitters: Pathogenic (9); Likely pathogenic (3). 4 of the submissions do not count toward it. Last evaluated 2025-10-02.

Conditions:
C19ORF12-related disorders.
Neurodegeneration with brain iron accumulation 4 (NBIA4). Also called: MITOCHONDRIAL PROTEIN-ASSOCIATED NEURODEGENERATION. Identifiers: Orphanet 289560, MedGen C3280371, MONDO:0013674, OMIM 614298. Disease mechanism: loss of function.
Hereditary spastic paraplegia 43. Also called: Spastic paraplegia 43, autosomal recessive. Identifiers: Orphanet 320370, MedGen C2680446, MONDO:0014024, OMIM 615043.
Neurodegeneration with brain iron accumulation (NBIA). Identifiers: Orphanet 385, MedGen C2931845, MONDO:0018307.
Abnormality of iron homeostasis. Identifiers: MedGen C4023583, HP:0011031.

Allele frequency attached by ClinVar (database versions not stated): gnomAD 0.00003; ExAC 0.00001; TOPMed 0.00002; gnomAD exomes 0.00001.
gnomAD v4.1: 24 of 1,613,672 alleles (0.0015%); highest among the groups gnomAD compares: African/African-American, 0.0027%; no homozygotes.

Submissions 1 to 11 of 16:

Labcorp Genetics (formerly Invitae), Labcorp
Classification: Pathogenic for Hereditary spastic paraplegia 43. Last evaluated: 2025-10-02. Review status: criteria provided, single submitter. Criteria: Invitae Variant Classification Sherloc (09022015). Collection method: clinical testing. Allele origin: germline.
Comment: This sequence change replaces threonine, which is neutral and polar, with methionine, which is neutral and non-polar, at codon 11 of the C19orf12 protein (p.Thr11Met). This variant is present in population databases (rs397514477, gnomAD 0.004%). This missense change has been observed in individuals with autosomal recessive neurodegeneration with brain iron accumulation (PMID: 21981780, 23278385, 23436634, 25592411). It has also been observed to segregate with disease in related individuals. ClinVar contains an entry for this variant (Variation ID: 31156). An algorithm developed to predict the effect of missense changes on protein structure and function (PolyPhen-2) suggests that this variant is likely to be tolerated. For these reasons, this variant has been classified as Pathogenic.

Institute of Human Genetics Munich, TUM University Hospital
Classification: Pathogenic for Neurodegeneration with brain iron accumulation 4. Last evaluated: 2025-09-12. Review status: criteria provided, single submitter. Criteria: Classification criteria August 2017. Collection method: clinical testing. Allele origin: germline. Inheritance: Autosomal recessive inheritance. Affected: yes. Observed: 3 variant alleles. Clinical features observed: Neurodevelopmental delay (HP:0012758), Dystonic disorder (HP:0001332), Parkinsonian disorder (HP:0001300).

Institute of Bioinformatics
Classification: Pathogenic for Neurodegeneration with brain iron accumulation 4. Last evaluated: 2024-09-01. Review status: criteria provided, single submitter. Criteria: ACMG Guidelines, 2015. Collection method: clinical testing. Allele origin: unknown. Inheritance: Autosomal recessive inheritance. Affected: yes. Observed: 1 homozygote.
Comment: The variant is classified as pathogenic based on the following evidence: It has been observed in multiple unrelated patients (PS4-Moderate, PMID: 22584950, 23278385, 21981780, 25592411, 23166001, 23436634), and its allele frequency is below 0.05 (PM2), indicating rarity in population databases. The missense variant represents a common mechanism of disease (PP2). Additionally, it has been previously classified as pathogenic in ClinVar, and the patient’s clinical history is consistent with the disease (PP5). Together, this evidence supports the pathogenic classification.

Women's Health and Genetics/Laboratory Corporation of America, LabCorp
Classification: Pathogenic for Neurodegeneration with brain iron accumulation. Last evaluated: 2024-07-15. Review status: criteria provided, single submitter. Criteria: LabCorp Variant Classification Summary - May 2015. Collection method: clinical testing. Allele origin: germline.
Comment: Variant summary: C19orf12 c.-2C>T (commonly known as c.32C>T, p.Thr11Met in the literature) is located in the untranslated mRNA region upstream of the initiation codon. The variant allele was found at a frequency of 8e-06 in 249206 control chromosomes (gnomAD). c.-2C>T has been reported in the literature in multiple individuals including homozygous individuals of Turkish origin, affected with neurodegeneration with brain iron accumulation (examples: Tschentscher_2015, Sparber_2021, Dogu_2013). In several families the variant segregated with the disease. These data indicate that the variant is very likely to be associated with disease. The following publications have been ascertained in the context of this evaluation (PMID: 25592411, 33607528, 23278385). ClinVar contains an entry for this variant (Variation ID: 31156). Based on the evidence outlined above, the variant was classified as pathogenic.

Fulgent Genetics
Classification: Likely pathogenic for Neurodegeneration with brain iron accumulation 4; Hereditary spastic paraplegia 43. Last evaluated: 2024-01-06. Review status: criteria provided, single submitter. Criteria: ACMG Guidelines, 2015. Collection method: clinical testing. Allele origin: germline.

Blueprint Genetics
Classification: Pathogenic for C19ORF12-related disorders. Last evaluated: 2023-10-25. Review status: criteria provided, single submitter. Criteria: ACMG Guidelines, 2015. Collection method: clinical testing. Allele origin: germline. Affected: yes. Observed: 3 variant alleles.

Laboratory for Molecular Medicine, Mass General Brigham Personalized Medicine
Classification: Likely pathogenic for Neurodegeneration with brain iron accumulation 4. Last evaluated: 2020-11-24. Review status: criteria provided, single submitter. Criteria: ACMG Guidelines, 2015. Collection method: clinical testing. Allele origin: germline. Inheritance: Autosomal recessive inheritance.
Comment: The p.Thr11Met variant in C19orf12 has been identified in at least 13 individuals (9 consanguinous homozygous individuals and 2 compound heterozygous individuals) with neurodegeneration with brain iron accumulation (NBIA) and segregated with disease in at least 5 affected members of 4 families (Hartig 2001 PMID 21981780, Schulte 2013 PMID 23436634, Gore 2016 PMID 27801611, Olgiati 2017 PMID 28347615, Alavi 2020 PMID 31970231). It has also been reported as Pathogenic by multiple laboratories in ClinVar (Variation ID 31156) and was identified in 0.004% (1/24194) African chromosomes and 0.001% (1/128668) of European chromosomes by gnomAD. This variant falls in noncoding regions of the most abundantly expressed C19orf12 transcripts and functional studies assessing its impact are not available. Additionally, computational prediction tools and conservation analyses suggest that this variant may not impact the protein, though this information is not predictive enough to rule out pathogenicity. In summary, although additional studies are required to fully establish its clinical significance, this variant meets criteria to be classified as likely pathogenic for autosomal recessive NBIA. ACMG/AMP Criteria applied: PP1_Strong, PM3, PM2_Supporting, BP4.

Suna and Inan Kirac Foundation Neurodegeneration Research Laboratory, Koc University
Classification: Likely pathogenic for Neurodegeneration with brain iron accumulation 4. Last evaluated: 2020-03-31. Review status: criteria provided, single submitter. Criteria: ACMG Guidelines, 2015. Collection method: research. Allele origin: germline. Affected: yes. Observed: 1 variant allele.

SIB Swiss Institute of Bioinformatics
Classification: Pathogenic for Neurodegeneration with brain iron accumulation 4. Last evaluated: 2018-05-31. Review status: criteria provided, single submitter. Criteria: ACMG Guidelines, 2015. Collection method: curation. Allele origin: unknown.
Comment: This variant is interpreted as a Pathogenic, for Neurodegeneration with brain iron accumulation 4, in Autosomal Recessive manner. The following ACMG Tag(s) were applied: PM2 => Absent from controls (or at extremely low frequency if recessive) in Exome Sequencing Project, 1000 Genomes Project, or Exome Aggregation Consortium. PS4-Moderate => Recurrent mutation observed in multiple unrelated patients (PMID:22584950,23278385,21981780,25592411,23166001,23436634). PM3 => For recessive disorders, detected in trans with a pathogenic variant (PMID:21981780,23436634). PP1-Strong => PP1 upgraded in strength to Strong (PMID:23278385,28347615).

CeGaT Center for Human Genetics Tuebingen
Classification: Pathogenic. Last evaluated: 2017-06-01. Review status: criteria provided, single submitter. Criteria: CeGaT Center For Human Genetics Tuebingen Variant Classification Criteria Version 2. Collection method: clinical testing. Allele origin: germline. Affected: yes. Observed: 1 variant allele.

Illumina Laboratory Services, Illumina
Classification: Pathogenic for Neurodegeneration with brain iron accumulation 4. Last evaluated: 2017-04-27. Review status: criteria provided, single submitter. Criteria: ICSL Variant Classification Criteria 09 May 2019. Collection method: clinical testing. Allele origin: germline.
Comment: The C19orf12 c.32C>T (p.Thr11Met) variant, which has been described as one of the most common variants associated with mitochondrial membrane protein-associated neurodegeneration, has been identified in a homozygous state in nine individuals and in a compound heterozygous state in three individuals (Hartig et al. 2011; Deschauer et al. 2012; Dezfouli et al. 2012; Dogu et al. 2013; Tschentscher et al. 2015). The variant was absent from 750 control chromosomes (Hartig et al. 2011) and has not been reported in the 1000 Genomes Project, the Exome Sequencing Project, or the Exome Aggregation Consortium. It has been suggested that the variant may be associated with a later age of onset since it affects only the longer isoform of the protein (Tschentscher et al. 2015). Based on the evidence, the variant is classified as pathogenic for mitochondrial membrane protein-associated neurodegeneration. This variant was observed by ICSL as part of a predisposition screen in an ostensibly healthy population.

NM_031448.6(C19orf12):c.-2C>T

Gene: C19orf12 (chromosome 19 open reading frame 12; minus strand). Cytogenetic location: 19q12.
Variant type: single nucleotide variant.
Coding change: c.-2C>T on transcript NM_031448.6 (MANE Select); 2 bases upstream of the start codon, C replaced by T.
Molecular consequence: 5 prime UTR variant. On other transcripts: intron variant (2).
Genome position (GRCh38, 1-based): chr19:29,708,415, G>A on the plus strand (C>T on the coding strand, the complement: C19orf12 is on the minus strand). VCF-style: chr19-29708415-G-A. GRCh37 (hg19) VCF-style: chr19-30199322-G-A.
Other names: C19ORF12, THR11MET; NM_001031726.3(C19orf12):c.32C>T(p.Thr11Met); c.-2C>T (NM_001031726.4, NM_001256046.3, NM_001256047.2); c.-315C>T (NM_001282931.3); c.-32-5438C>T (NM_001282929.1, NM_001282930.3); short protein forms T11M.
Identifiers: ClinVar variation 31156 (VCV000031156.61), dbSNP rs397514477, ClinGen allele CA342784.